The following is an entry in ClinVar:

ClinVar aggregate classification (germline): Likely pathogenic (1 of 4 stars; one submission).

Conditions:
Inborn genetic diseases. Identifiers: MedGen C0950123, MeSH D030342.

Submission:

Ambry Genetics
Classification: Likely pathogenic for Inborn genetic diseases. Last evaluated: 2017-05-25. Review status: criteria provided, single submitter. Criteria: Ambry Variant Classification Scheme 2023. Collection method: clinical testing. Allele origin: germline.
Comment: The p.G879A variant (also known as c.2636G>C), located in coding exon 15 of the SCN2A gene, results from a G to C substitution at nucleotide position 2636. The glycine at codon 879 is replaced by alanine, an amino acid with similar properties. A different alteration, located at the same position, p.G879R (c.2635G>A), was detected as de novo in an individual with early infantile epileptic encephalopathy type 11 (EIEE11) (Soden SE et al. Sci Transl Med, 2014 Dec;6:265ra168).This amino acid position is highly conserved in available vertebrate species. In addition, this alteration is predicted to be deleterious by in silico analysis. Based on the majority of available evidence to date, this variant is likely to be pathogenic.

Literature cited by the submitters: PubMed 25473036.

NM_001040142.2(SCN2A):c.2636G>C (p.Gly879Ala)

Gene: SCN2A (sodium voltage-gated channel alpha subunit 2; plus strand). Cytogenetic location: 2q24.3.
Variant type: single nucleotide variant.
Coding change: c.2636G>C on transcript NM_001040142.2 (MANE Select); coding-DNA position 2636, G replaced by C.
Protein change: p.Gly879Ala; replaces glycine 879 with alanine.
Molecular consequence: missense variant.
Genome position (GRCh38, 1-based): chr2:165,344,628, G>C. VCF-style: chr2-165344628-G-C. GRCh37 (hg19) VCF-style: chr2-166201138-G-C.
Other names: c.2636G>C, p.Gly879Ala (NM_001040143.2, NM_001371246.1, NM_001371247.1 and 1 more transcripts); short protein forms G879A.
Identifiers: ClinVar variation 590186 (VCV000590186.5), dbSNP rs1559376694, ClinGen allele CA349013425.